The following is an entry in ClinVar:

NM_005148.4(UNC119):c.564C>G (p.Asn188Lys)

Gene: UNC119 (unc-119 lipid binding chaperone; minus strand). Cytogenetic location: 17q11.2.
Variant type: single nucleotide variant.
Coding change: c.564C>G on transcript NM_005148.4 (MANE Select); coding-DNA position 564, C replaced by G.
Protein change: p.Asn188Lys; replaces asparagine 188 with lysine.
Molecular consequence: missense variant.
Genome position (GRCh38, 1-based): chr17:28,547,723, G>C on the plus strand (C>G on the coding strand, the complement: UNC119 is on the minus strand). VCF-style: chr17-28547723-G-C. GRCh37 (hg19) VCF-style: chr17-26874741-G-C.
Other names: c.279C>G, p.Asn93Lys (NM_001330166.2); c.564C>G, p.Asn188Lys (NM_054035.2); short protein forms N93K, N188K.
Identifiers: ClinVar variation 1932594 (VCV001932594.5), dbSNP rs2508463468, ClinGen allele CA398330636.
Genomic context (GRCh38, chr17:28,547,723, plus strand): 5'-CCCTGCCCGCGCACTCAGCTCCTCGGAGAGAGGGGGGAAGTCGTAAATGTGCTCGCAGGT[G>C]TTCTTGCTGCTGGGGATGCAGAAGCCAAAGTGGAAGTCGAAGCTTTTGAGTAGCTGGTTG-3'
Protein context (NP_005139.1, residues 178-198): HFGFCIPSSK[Asn188Lys]TCEHIYDFPP

ClinVar aggregate classification (germline): Uncertain significance (1 of 4 stars; one submission).

Submission:

Labcorp Genetics (formerly Invitae), Labcorp
Classification: Uncertain significance. Last evaluated: 2025-03-22. Review status: criteria provided, single submitter. Criteria: Invitae Variant Classification Sherloc (09022015). Collection method: clinical testing. Allele origin: germline.
Comment: This sequence change replaces asparagine, which is neutral and polar, with lysine, which is basic and polar, at codon 188 of the UNC119 protein (p.Asn188Lys). This variant is not present in population databases (gnomAD no frequency). This variant has not been reported in the literature in individuals affected with UNC119-related conditions. ClinVar contains an entry for this variant (Variation ID: 1932594). An algorithm developed to predict the effect of missense changes on protein structure and function (PolyPhen-2) suggests that this variant is likely to be disruptive. In summary, the available evidence is currently insufficient to determine the role of this variant in disease. Therefore, it has been classified as a Variant of Uncertain Significance.